The following is an entry in ClinVar:

NM_020631.6(PLEKHG5):c.2050-17C>A

Gene: PLEKHG5 (pleckstrin homology and RhoGEF domain containing G5; minus strand). Cytogenetic location: 1p36.31.
Variant type: single nucleotide variant.
Coding change: c.2050-17C>A on transcript NM_020631.6 (MANE Select); 17 bases into the intron before coding-DNA position 2050, C replaced by A.
Molecular consequence: intron variant.
Genome position (GRCh38, 1-based): chr1:6,469,258, G>T on the plus strand (C>A on the coding strand, the complement: PLEKHG5 is on the minus strand). VCF-style: chr1-6469258-G-T. GRCh37 (hg19) VCF-style: chr1-6529318-G-T.
Other names: c.2050-17C>A (NM_198681.4, NM_001265594.3, NM_001042664.2 and 1 more transcripts); c.2161-17C>A (NM_001042663.3, NM_001265592.2); c.2257-17C>A (NM_001265593.2).
Identifiers: ClinVar variation 517808 (VCV000517808.1), dbSNP rs1553173486, ClinGen allele CA658795384.

ClinVar aggregate classification (germline): Likely benign (1 of 4 stars; one submission).

Allele frequency attached by ClinVar (database versions not stated): gnomAD exomes below 0.00001.
gnomAD v4.1: 1 of 1,613,922 alleles (0.000062%); highest among the groups gnomAD compares: Non-Finnish European, 0.000085%; no homozygotes.

Submission:

GeneDx
Classification: Likely benign. Last evaluated: 2017-03-14. Review status: criteria provided, single submitter. Criteria: GeneDx Variant Classification (06012015). Collection method: clinical testing. Allele origin: germline. Affected: yes.
Comment: This variant is considered likely benign or benign based on one or more of the following criteria: it is a conservative change, it occurs at a poorly conserved position in the protein, it is predicted to be benign by multiple in silico algorithms, and/or has population frequency not consistent with disease.